The following is an entry in ClinVar:

ClinVar aggregate classification (germline): Uncertain significance (1 of 4 stars; one submission).

Conditions:
Hereditary cancer-predisposing syndrome. Also called: Neoplastic Syndromes, Hereditary; Tumor predisposition; Hereditary Cancer Syndrome; Hereditary neoplastic syndrome. Identifiers: Orphanet 140162, MedGen C0027672, MeSH D009386, MONDO:0015356.

Submission:

Color Diagnostics, LLC DBA Color Health
Classification: Uncertain significance for Hereditary cancer-predisposing syndrome. Last evaluated: 2024-03-06. Review status: criteria provided, single submitter. Criteria: ACMG Guidelines, 2015. Collection method: clinical testing. Allele origin: germline.
Comment: This variant causes a substitution of two amino acid in exon 1 of the BARD1 protein. To our knowledge, functional studies have not been reported for this variant. This variant has not been reported in individuals affected with BARD1-related disorders in the literature. This variant has not been identified in the general population by the Genome Aggregation Database (gnomAD). The available evidence is insufficient to determine the role of this variant in disease conclusively. Therefore, this variant is classified as a Variant of Uncertain Significance.

NM_000465.4(BARD1):c.68_70delinsTGT (p.Ala23_Pro24delinsValSer)

Gene: BARD1 (BRCA1 associated RING domain 1; minus strand). Cytogenetic location: 2q35.
Variant type: Indel.
Coding change: c.68_70delinsTGT on transcript NM_000465.4 (MANE Select); coding-DNA positions 68 to 70, CGC replaced by TGT.
Protein change: p.Ala23_Pro24delinsValSer.
Molecular consequence: missense variant. On other transcripts: non-coding transcript variant (3).
Genome position (GRCh38, 1-based): chr2:214,809,500-214,809,502, GCG replaced by ACA on the plus strand (CGC replaced by TGT on the coding strand, the reverse complement: BARD1 is on the minus strand). VCF-style: chr2-214809500-GCG-ACA. GRCh37 (hg19) VCF-style: chr2-215674224-GCG-ACA.
Other names: c.68_70delinsTGT, p.Ala23_Pro24delinsValSer (NM_001282543.2, NM_001282545.2, NM_001282548.2 and 1 more transcripts).
Identifiers: ClinVar variation 923799 (VCV000923799.4), dbSNP rs1696467020, ClinGen allele CA913188064.